The following is an entry in ClinVar:

ClinVar aggregate classification (germline): Uncertain significance. Review status: criteria provided, multiple submitters, no conflicts (2 of 4 stars). 2 submissions from 2 submitters: Uncertain significance (2). Last evaluated 2025-01-12.

Conditions:
Ullrich congenital muscular dystrophy 2 (UCMD2). Identifiers: Orphanet 75840, MedGen C4225314, MONDO:0014654, OMIM 616470.
Bethlem myopathy 2 (BTHLM2). Identifiers: Orphanet 536516, Orphanet 610, MedGen C4225313, MONDO:0034022, OMIM 616471.

Allele frequency attached by ClinVar (database versions not stated): TOPMed below 0.00001; gnomAD 0.00001.
gnomAD v4.1: 2 of 1,613,202 alleles (0.00012%); highest among the groups gnomAD compares: Admixed American, 0.0033%; no homozygotes.

Submissions (2):

Labcorp Genetics (formerly Invitae), Labcorp
Classification: Uncertain significance for Bethlem myopathy 2; Ullrich congenital muscular dystrophy 2. Last evaluated: 2025-01-12. Review status: criteria provided, single submitter. Criteria: Invitae Variant Classification Sherloc (09022015). Collection method: clinical testing. Allele origin: germline.
Comment: This sequence change replaces threonine, which is neutral and polar, with serine, which is neutral and polar, at codon 1553 of the COL12A1 protein (p.Thr1553Ser). This variant is not present in population databases (gnomAD no frequency). This variant has not been reported in the literature in individuals affected with COL12A1-related conditions. ClinVar contains an entry for this variant (Variation ID: 853479). Invitae Evidence Modeling of protein sequence and biophysical properties (such as structural, functional, and spatial information, amino acid conservation, physicochemical variation, residue mobility, and thermodynamic stability) indicates that this missense variant is not expected to disrupt COL12A1 protein function with a negative predictive value of 80%. In summary, the available evidence is currently insufficient to determine the role of this variant in disease. Therefore, it has been classified as a Variant of Uncertain Significance.

GeneDx
Classification: Uncertain significance. Last evaluated: 2024-09-10. Review status: criteria provided, single submitter. Criteria: GeneDx Variant Classification Process June 2021. Collection method: clinical testing. Allele origin: germline. Affected: yes.
Comment: Not observed at significant frequency in large population cohorts (gnomAD); In silico analysis indicates that this missense variant does not alter protein structure/function; Has not been previously published as pathogenic or benign to our knowledge

NM_004370.6(COL12A1):c.4657A>T (p.Thr1553Ser)

Gene: COL12A1 (collagen type XII alpha 1 chain; minus strand). Cytogenetic location: 6q13.
Variant type: single nucleotide variant.
Coding change: c.4657A>T on transcript NM_004370.6 (MANE Select); coding-DNA position 4657, A replaced by T.
Protein change: p.Thr1553Ser; replaces threonine 1553 with serine.
Molecular consequence: missense variant.
Genome position (GRCh38, 1-based): chr6:75,145,359, T>A on the plus strand (A>T on the coding strand, the complement: COL12A1 is on the minus strand). VCF-style: chr6-75145359-T-A. GRCh37 (hg19) VCF-style: chr6-75855075-T-A.
Other names: c.1165A>T, p.Thr389Ser (NM_080645.3); short protein forms T1553S, T389S.
Identifiers: ClinVar variation 853479 (VCV000853479.9), dbSNP rs1044813586, ClinGen allele CA141000561.